The following is an entry in ClinVar:

NM_173354.5(SIK1):c.371A>G (p.Asn124Ser)

Gene: SIK1 (salt inducible kinase 1; minus strand). Cytogenetic location: 21q22.3.
Variant type: single nucleotide variant.
Coding change: c.371A>G on transcript NM_173354.5 (MANE Select); coding-DNA position 371, A replaced by G.
Protein change: p.Asn124Ser; replaces asparagine 124 with serine.
Molecular consequence: missense variant.
Genome position (GRCh38, 1-based): chr21:43,421,766, T>C on the plus strand (A>G on the coding strand, the complement: SIK1 is on the minus strand). VCF-style: chr21-43421766-T-C. GRCh37 (hg19) VCF-style: chr21-44841646-T-C.
Other names: short protein forms N124S.
Identifiers: ClinVar variation 1507741 (VCV001507741.6), dbSNP rs2146474198, ClinGen allele CA410610357.

ClinVar aggregate classification (germline): Uncertain significance (1 of 4 stars; one submission).

Conditions:
Developmental and epileptic encephalopathy, 30 (DEE30). Also called: Epileptic encephalopathy, early infantile, 30. Identifiers: MedGen C4225360, MONDO:0014595, OMIM 616341.

Submission:

Labcorp Genetics (formerly Invitae), Labcorp
Classification: Uncertain significance for Developmental and epileptic encephalopathy, 30. Last evaluated: 2022-08-09. Review status: criteria provided, single submitter. Criteria: Invitae Variant Classification Sherloc (09022015). Collection method: clinical testing. Allele origin: germline.
Comment: This variant is not present in population databases (gnomAD no frequency). In summary, the available evidence is currently insufficient to determine the role of this variant in disease. Therefore, it has been classified as a Variant of Uncertain Significance. Algorithms developed to predict the effect of missense changes on protein structure and function output the following: SIFT: "Tolerated"; PolyPhen-2: "Benign"; Align-GVGD: "Class C0". The serine amino acid residue is found in multiple mammalian species, which suggests that this missense change does not adversely affect protein function. ClinVar contains an entry for this variant (Variation ID: 1507741). This variant has not been reported in the literature in individuals affected with SIK1-related conditions. This sequence change replaces asparagine, which is neutral and polar, with serine, which is neutral and polar, at codon 124 of the SIK1 protein (p.Asn124Ser).